The following is an entry in ClinVar:

NM_006015.6(ARID1A):c.1791C>T (p.Phe597=)

Gene: ARID1A (AT-rich interaction domain 1A; plus strand). Cytogenetic location: 1p36.11.
Variant type: single nucleotide variant.
Coding change: c.1791C>T on transcript NM_006015.6 (MANE Select); coding-DNA position 1791, C replaced by T.
Protein change: p.Phe597=; no amino-acid change (phenylalanine 597 retained).
Molecular consequence: synonymous variant.
Genome position (GRCh38, 1-based): chr1:26,731,592, C>T. VCF-style: chr1-26731592-C-T. GRCh37 (hg19) VCF-style: chr1-27058083-C-T.
Other names: c.1791C>T, p.Phe597= (NM_139135.4).
Identifiers: ClinVar variation 2182160 (VCV002182160.6), dbSNP rs375210036, ClinGen allele CA706843.

ClinVar aggregate classification (germline): Benign. Review status: criteria provided, single submitter (1 of 4 stars). 2 submissions from 2 submitters: Benign (1). 1 of the submissions does not count toward it. Last evaluated 2024-04-13.

Conditions:
ARID1A-related disorder. Also called: ARID1A-related condition.

Allele frequency attached by ClinVar (database versions not stated): TOPMed 0.00001; gnomAD 0.00002; gnomAD exomes 0.00003; ExAC 0.00006; ESP Exome Variant Server 0.00008.
gnomAD v4.1: 50 of 1,613,596 alleles (0.0031%); highest among the groups gnomAD compares: Middle Eastern, 0.016%; no homozygotes.

Submissions (2):

Labcorp Genetics (formerly Invitae), Labcorp
Classification: Benign. Last evaluated: 2024-04-13. Review status: criteria provided, single submitter. Criteria: Invitae Variant Classification Sherloc (09022015). Collection method: clinical testing. Allele origin: germline.

PreventionGenetics, part of Exact Sciences
Classification: Likely benign for ARID1A-related condition. Last evaluated: 2023-04-05. Review status: no assertion criteria provided. Collection method: clinical testing. Allele origin: germline. Not counted in ClinVar's aggregate classification.
Comment: This variant is classified as likely benign based on ACMG/AMP sequence variant interpretation guidelines (Richards et al. 2015 PMID: 25741868, with internal and published modifications).